The following is an entry in ClinVar:

NM_000414.4(HSD17B4):c.344A>T (p.Asp115Val)

Gene: HSD17B4 (hydroxysteroid 17-beta dehydrogenase 4; plus strand). Cytogenetic location: 5q23.1.
Variant type: single nucleotide variant.
Coding change: c.344A>T on transcript NM_000414.4 (MANE Select); coding-DNA position 344, A replaced by T.
Protein change: p.Asp115Val; replaces aspartic acid 115 with valine.
Molecular consequence: missense variant. On other transcripts: 5 prime UTR variant (5), non-coding transcript variant (2), intron variant (1).
Genome position (GRCh38, 1-based): chr5:119,475,865, A>T. VCF-style: chr5-119475865-A-T. GRCh37 (hg19) VCF-style: chr5-118811560-A-T.
Other names: c.419A>T, p.Asp140Val (NM_001199291.3); c.290A>T, p.Asp97Val (NM_001199292.2); c.272A>T, p.Asp91Val (NM_001292027.2); c.-68A>T (NM_001292028.2, NM_001374501.1, NM_001374502.1 and 1 more transcripts); c.344A>T, p.Asp115Val (NM_001374497.1, NM_001374498.1); c.-195A>T (NM_001374500.1); c.22+138A>T (NM_001374499.1); short protein forms D115V, D140V, D91V, D97V.
Identifiers: ClinVar variation 3906973 (VCV003906973.2).

ClinVar aggregate classification (germline): Uncertain significance (1 of 4 stars; one submission).

Conditions:
Perrault syndrome 1 (PRLTS1). Also called: GONADAL DYSGENESIS, XX TYPE, WITH DEAFNESS; OVARIAN DYSGENESIS WITH SENSORINEURAL DEAFNESS. Identifiers: Orphanet 2855, Orphanet 642945, MedGen C4551721, MONDO:0009300, OMIM 233400.
Bifunctional peroxisomal enzyme deficiency (DBIF). Also called: DBP DEFICIENCY; PBFE DEFICIENCY; D-bifunctional protein deficiency. Identifiers: Orphanet 300, MedGen C0342870, MONDO:0009855, OMIM 261515. Disease mechanism: loss of function.

Submission:

Juno Genomics, Hangzhou Juno Genomics, Inc
Classification: Uncertain significance for Bifunctional peroxisomal enzyme deficiency; Perrault syndrome 1. Review status: criteria provided, single submitter. Criteria: ACMG Guidelines, 2015. Collection method: clinical testing. Allele origin: germline. Affected: yes.
Comment: Absent from controls (or at extremely low frequency if recessive) in Genome Aggregation Database, Exome Sequencing Project, 1000 Genomes Project, or Exome Aggregation Consortium.;Multiple lines of computational evidence support a deleterious effect on the gene or gene product (conservation, evolutionary, splicing impact, etc).;For recessive disorders, detected in trans with a pathogenic variant.;Patient's phenotype or family history is highly specific for a disease with a single genetic etiology.